The following is an entry in ClinVar:

ClinVar aggregate classification (germline): Pathogenic. Review status: criteria provided, multiple submitters, no conflicts (2 of 4 stars). 4 submissions from 4 submitters: Pathogenic (4). Last evaluated 2024-12-31.

Conditions:
Cardiomyopathy (CMYO). Also called: Cardiomyopathies. Identifiers: Orphanet 167848, MedGen C0878544, MONDO:0004994, HP:0001638. Inheritance: Various modes of inheritance.
Arrhythmogenic cardiomyopathy with wooly hair and keratoderma. Also called: Dilated cardiomyopathy with woolly hair and keratoderma; Arrhythmogenic cardiomyopathy with woolly hair and keratoderma; PALMOPLANTAR KERATODERMA WITH LEFT VENTRICULAR CARDIOMYOPATHY AND WOOLLY HAIR; Carvajal syndrome. Identifiers: Orphanet 65282, MedGen C1854063, MONDO:0011581, OMIM 605676.
Cardiovascular phenotype. Identifiers: MedGen CN230736.
Arrhythmogenic right ventricular dysplasia 8 (ARVD8). Also called: Arrhythmogenic Right Ventricular Dysplasia/Cardiomyopathy 8; ARRHYTHMOGENIC RIGHT VENTRICULAR DYSPLASIA, FAMILIAL, 8; ARRHYTHMOGENIC RIGHT VENTRICULAR CARDIOMYOPATHY 8. Identifiers: MedGen C1843896, MONDO:0011831, OMIM 607450.

Submissions (4):

Labcorp Genetics (formerly Invitae), Labcorp
Classification: Pathogenic for Arrhythmogenic cardiomyopathy with wooly hair and keratoderma; Arrhythmogenic right ventricular dysplasia 8. Last evaluated: 2024-12-31. Review status: criteria provided, single submitter. Criteria: Invitae Variant Classification Sherloc (09022015). Collection method: clinical testing. Allele origin: germline.
Comment: This sequence change creates a premature translational stop signal (p.Leu354Alafs*15) in the DSP gene. It is expected to result in an absent or disrupted protein product. Loss-of-function variants in DSP are known to be pathogenic (PMID: 20716751, 24503780, 25227139). This variant is not present in population databases (gnomAD no frequency). This premature translational stop signal has been observed in individual(s) with DSP-related conditions (PMID: 31386562). ClinVar contains an entry for this variant (Variation ID: 464956). For these reasons, this variant has been classified as Pathogenic.

All of Us Research Program, National Institutes of Health
Classification: Pathogenic for Arrhythmogenic cardiomyopathy with wooly hair and keratoderma. Last evaluated: 2024-06-09. Review status: criteria provided, single submitter. Criteria: ACMG Guidelines, 2015. Collection method: clinical testing. Allele origin: germline. Inheritance: Autosomal dominant inheritance. Observed: 1 variant allele, 1 heterozygote.
Comment: This variant deletes 2 nucleotides in exon 9 of the DSP gene, creating a frameshift and premature translation stop signal. This variant is expected to result in an absent or non-functional protein product. This variant has been reported in an individual affected with arrhythmogenic right ventricular cardiomyopathy (PMID 31386562). This variant has not been identified in the general population by the Genome Aggregation Database (gnomAD). Loss of DSP function is a known mechanism of disease. Based on the available evidence, this variant is classified as Pathogenic.

This study involves interpretation of variants in research participants for the purpose of population health screening. Participant phenotype was not available at the time of variant classification. Additional details can be found in publication PMID: 35346344, PMCID: PMC8962531

Color Diagnostics, LLC DBA Color Health
Classification: Pathogenic for Cardiomyopathy. Last evaluated: 2024-04-10. Review status: criteria provided, single submitter. Criteria: ACMG Guidelines, 2015. Collection method: clinical testing. Allele origin: germline.
Comment: This variant deletes 2 nucleotides in exon 9 of the DSP gene, creating a frameshift and premature translation stop signal. This variant is expected to result in an absent or non-functional protein product. This variant has been reported in an individual affected with arrhythmogenic right ventricular cardiomyopathy (PMID 31386562). This variant has not been identified in the general population by the Genome Aggregation Database (gnomAD). Loss of DSP function is a known mechanism of disease. Based on the available evidence, this variant is classified as Pathogenic.

Ambry Genetics
Classification: Pathogenic for Cardiovascular phenotype. Last evaluated: 2023-06-09. Review status: criteria provided, single submitter. Criteria: Ambry Variant Classification Scheme 2023. Collection method: clinical testing. Allele origin: germline.
Comment: The c.1060_1061delCT variant, located in coding exon 9 of the DSP gene, results from a deletion of two nucleotides at nucleotide positions 1060 to 1061, causing a translational frameshift with a predicted alternate stop codon (p.L354Afs*15). This variant has been detected in an individual reported to have arrhythmogenic right ventricular cardiomyopathy (van Lint FHM et al. Circ Genom Precis Med, 2019 Aug;12:e002467). This variant is considered to be rare based on population cohorts in the Genome Aggregation Database (gnomAD). In addition to the clinical data presented in the literature, this alteration is expected to result in loss of function by premature protein truncation or nonsense-mediated mRNA decay. As such, this alteration is interpreted as a disease-causing mutation.

Literature cited by the submitters: PubMed 20716751 (cited by Labcorp Genetics (formerly Invitae), Labcorp); PubMed 24503780 (cited by Labcorp Genetics (formerly Invitae), Labcorp); PubMed 25227139 (cited by Labcorp Genetics (formerly Invitae), Labcorp); PubMed 31386562 (cited by 3 submitters).

NM_004415.4(DSP):c.1060_1061del (p.Leu354fs)

Gene: DSP (desmoplakin; plus strand). Cytogenetic location: 6p24.3.
Variant type: Microsatellite.
Coding change: c.1060_1061del on transcript NM_004415.4 (MANE Select); coding-DNA positions 1060 to 1061, 2 bases deleted (CT; older notation c.1060_1061delCT).
Protein change: p.Leu354fs; shifts the reading frame from leucine 354.
Molecular consequence: frameshift variant.
Genome position (GRCh38, 1-based): chr6:7,567,369-7,567,370, CT deleted; deleting any 2 consecutive bases within chr6:7,567,367-7,567,370 gives the same sequence; the c. name uses the placement nearest the transcript's 3' end. VCF-style (leftmost placement, unchanged base first): chr6-7567366-ACT-A. GRCh37 (hg19) VCF-style: chr6-7567599-ACT-A.
Other names: c.1060_1061del (NM_004415.2); c.1060_1061del, p.Leu354fs (NM_001008844.3, NM_001319034.2); short protein forms L354fs.
Identifiers: ClinVar variation 464956 (VCV000464956.13), dbSNP rs1249913357, ClinGen allele CA658655923.
Genomic context (GRCh38, chr6:7,567,366, plus strand): 5'-TCTGTACAACTGAGCTAGGCTAAGACAGCTGACATTTTCTTGTTTCAGGCCTATATGGAC[ACT>A]CTGCAGACGCAGTGGAGTTGGATTCTTCAGATCACCAAGTGCATTGATGTTCATCTGAAA-3'